The following is an entry in ClinVar:

NM_000059.4(BRCA2):c.132T>G (p.Ser44=)

Gene: BRCA2 (BRCA2 DNA repair associated; plus strand). Cytogenetic location: 13q13.1.
Variant type: single nucleotide variant.
Coding change: c.132T>G on transcript NM_000059.4 (MANE Select); coding-DNA position 132, T replaced by G.
Protein change: p.Ser44=; no amino-acid change (serine 44 retained).
Molecular consequence: synonymous variant.
Genome position (GRCh38, 1-based): chr13:32,319,141, T>G. VCF-style: chr13-32319141-T-G. GRCh37 (hg19) VCF-style: chr13-32893278-T-G.
Other names: c.132T>G (NM_000059.3).
Identifiers: ClinVar variation 1137434 (VCV001137434.12), dbSNP rs2138704094, ClinGen allele CA483435770.

ClinVar aggregate classification (germline): Likely benign. Review status: criteria provided, multiple submitters, no conflicts (2 of 4 stars). 3 submissions from 3 submitters: Likely benign (2). 1 of the submissions does not count toward it. Last evaluated 2024-12-24.

Conditions:
Hereditary cancer-predisposing syndrome. Also called: Hereditary neoplastic syndrome; Hereditary Cancer Syndrome; Tumor predisposition; Neoplastic Syndromes, Hereditary. Identifiers: Orphanet 140162, MedGen C0027672, MeSH D009386, MONDO:0015356.
Hereditary breast ovarian cancer syndrome. Also called: Hereditary breast and ovarian cancer syndrome; Breast and ovarian cancer; BRCA1- and BRCA2-Associated Hereditary Breast and Ovarian Cancer; Hereditary breast and/or ovarian cancer syndrome; Hereditary breast and ovarian cancer; Hereditary breast and ovarian cancer syndrome (HBOC). Identifiers: Orphanet 145, MedGen C0677776, MeSH D061325, MONDO:0003582. Disease mechanism: loss of function.
BRCA2-related disorder. Also called: BRCA2-related condition; BRCA2-related disorders. Identifiers: MedGen CN239275.

Submissions (3):

Labcorp Genetics (formerly Invitae), Labcorp
Classification: Likely benign for Hereditary breast ovarian cancer syndrome. Last evaluated: 2024-12-24. Review status: criteria provided, single submitter. Criteria: Invitae Variant Classification Sherloc (09022015). Collection method: clinical testing. Allele origin: germline.

Ambry Genetics
Classification: Likely benign for Hereditary cancer-predisposing syndrome. Last evaluated: 2024-10-06. Review status: criteria provided, single submitter. Criteria: Ambry Variant Classification Scheme 2023. Collection method: clinical testing. Allele origin: germline.

PreventionGenetics, part of Exact Sciences
Classification: Likely benign for BRCA2-related condition. Last evaluated: 2023-03-02. Review status: no assertion criteria provided. Collection method: clinical testing. Allele origin: germline. Not counted in ClinVar's aggregate classification.
Comment: This variant is classified as likely benign based on ACMG/AMP sequence variant interpretation guidelines (Richards et al. 2015 PMID: 25741868, with internal and published modifications).